The following is an entry in ClinVar:

ClinVar aggregate classification (germline): Uncertain significance (1 of 4 stars; one submission).

Conditions:
Lipoic acid synthetase deficiency. Also called: HYPERGLYCINEMIA, LACTIC ACIDOSIS, AND SEIZURES. Identifiers: Orphanet 401859, MedGen C3280887, MONDO:0013762, OMIM 614462.

Submission:

Labcorp Genetics (formerly Invitae), Labcorp
Classification: Uncertain significance for Lipoic acid synthetase deficiency. Last evaluated: 2023-08-10. Review status: criteria provided, single submitter. Criteria: Invitae Variant Classification Sherloc (09022015). Collection method: clinical testing. Allele origin: unknown.
Comment: In summary, the available evidence is currently insufficient to determine the role of this variant in disease. Therefore, it has been classified as a Variant of Uncertain Significance. This variant has not been reported in the literature in individuals affected with LIAS-related conditions. A copy number gain of the genomic region encompassing the full coding sequence of the LIAS gene has been identified. The boundaries of this event are unknown as they extend beyond the assayed region for this gene and therefore may encompass additional genes. As the precise location of this event is unknown, it may be in tandem or it may be located elsewhere in the genome.

NC_000004.11:g.(?_39435810)_(39478735_?)dup

Genes: KLB (klotho beta; plus strand), LIAS (lipoic acid synthetase; plus strand), RPL9 (ribosomal protein L9; minus strand). Cytogenetic location: 4p14.
Variant type: Duplication.
Identifiers: ClinVar variation 3246670 (VCV003246670.1).